The following is an entry in ClinVar:

NM_014363.6(SACS):c.8949T>C (p.Asn2983=)

Gene: SACS (sacsin molecular chaperone; minus strand). Cytogenetic location: 13q12.12.
Variant type: single nucleotide variant.
Coding change: c.8949T>C on transcript NM_014363.6 (MANE Select); coding-DNA position 8949, T replaced by C.
Protein change: p.Asn2983=; no amino-acid change (asparagine 2983 retained).
Molecular consequence: synonymous variant.
Genome position (GRCh38, 1-based): chr13:23,334,927, A>G on the plus strand (T>C on the coding strand, the complement: SACS is on the minus strand). VCF-style: chr13-23334927-A-G. GRCh37 (hg19) VCF-style: chr13-23909066-A-G.
Other names: c.8949T>C (NM_014363.5); c.8508T>C, p.Asn2836= (NM_001278055.2).
Identifiers: ClinVar variation 1084183 (VCV001084183.10), dbSNP rs530439104, ClinGen allele CA6910691.

ClinVar aggregate classification (germline): Likely benign. Review status: criteria provided, multiple submitters, no conflicts (2 of 4 stars). 2 submissions from 2 submitters: Likely benign (2). Last evaluated 2026-05-08.

Conditions:
SACS-related disorder. Also called: SACS-related condition.
Spastic paraplegia. Identifiers: MedGen C0037772, HP:0001258.

Allele frequency attached by ClinVar (database versions not stated): TOPMed below 0.00001; ExAC 0.00001; gnomAD 0.00001; gnomAD exomes 0.00001 and below 0.00001; 1000 Genomes Project 0.00020; 1000 Genomes Project 30x 0.00031.
gnomAD v4.1: 8 of 1,613,896 alleles (0.0005%); highest among the groups gnomAD compares: South Asian, 0.0044%; no homozygotes.

Submissions (2):

PreventionGenetics, part of Exact Sciences
Classification: Likely benign for SACS-related condition. Last evaluated: 2026-05-08. Review status: criteria provided, single submitter. Criteria: ACMG Guidelines, 2015. Collection method: clinical testing. Allele origin: germline.
Comment: This variant is classified as likely benign based on ACMG/AMP sequence variant interpretation guidelines (Richards et al. 2015 PMID: 25741868, with internal and published modifications).

Labcorp Genetics (formerly Invitae), Labcorp
Classification: Likely benign for Spastic paraplegia. Last evaluated: 2024-02-22. Review status: criteria provided, single submitter. Criteria: Invitae Variant Classification Sherloc (09022015). Collection method: clinical testing. Allele origin: germline.